The following is an entry in ClinVar:

NM_000093.5(COL5A1):c.2485-160C>T

Gene: COL5A1 (collagen type V alpha 1 chain; plus strand). Cytogenetic location: 9q34.3.
Variant type: single nucleotide variant.
Coding change: c.2485-160C>T on transcript NM_000093.5 (MANE Select); 160 bases into the intron before coding-DNA position 2485, C replaced by T.
Molecular consequence: intron variant.
Genome position (GRCh38, 1-based): chr9:134,784,829, C>T. VCF-style: chr9-134784829-C-T. GRCh37 (hg19) VCF-style: chr9-137676675-C-T.
Other names: c.2485-160C>T (NM_001278074.1).
Identifiers: ClinVar variation 674557 (VCV000674557.2), dbSNP rs7855854, ClinGen allele CA201105011.
Genomic context (GRCh38, chr9:134,784,829, plus strand): 5'-TCCGCAGAGCCCGGGAGCCCGGGAATTCGCGGTACAATGCGCTCGCTTTGTCAGTGGCTC[C>T]GGGAGCAGCTCCGTGGTCTGAGTGAGGCCGAGCTGGTGGAGCAGCTCTGACCACAGGGTG-3'

ClinVar aggregate classification (germline): Benign. Review status: criteria provided, multiple submitters, no conflicts (2 of 4 stars). 2 submissions from 2 submitters: Benign (2). Last evaluated 2018-06-14.

Allele frequency attached by ClinVar (database versions not stated): gnomAD 0.10807 and 0.11027; TOPMed 0.10971; 1000 Genomes Project 0.11681; 1000 Genomes Project 30x 0.11727.
gnomAD v4.1: 16,349 of 152,230 alleles (11%); highest among the groups gnomAD compares: African/African-American, 20%; 1,183 homozygotes.

Submissions (2):

GeneDx
Classification: Benign. Last evaluated: 2018-06-14. Review status: criteria provided, single submitter. Criteria: GeneDx Variant Classification (06012015). Collection method: clinical testing. Allele origin: germline. Affected: yes.
Comment: This variant is considered likely benign or benign based on one or more of the following criteria: it is a conservative change, it occurs at a poorly conserved position in the protein, it is predicted to be benign by multiple in silico algorithms, and/or has population frequency not consistent with disease.

Breakthrough Genomics
Classification: Benign. Review status: criteria provided, single submitter. Criteria: ACMG Guidelines, 2015. Collection method: not provided. Allele origin: germline. Inheritance: Autosomal dominant inheritance. Affected: yes.